The following is an entry in ClinVar:

NM_001190274.2(FBXO11):c.233-4A>G

Gene: FBXO11 (F-box protein 11; minus strand). Cytogenetic location: 2p16.3.
Variant type: single nucleotide variant.
Coding change: c.233-4A>G on transcript NM_001190274.2 (MANE Select); 4 bases into the intron before coding-DNA position 233, A replaced by G.
Molecular consequence: intron variant.
Genome position (GRCh38, 1-based): chr2:47,839,773, T>C on the plus strand (A>G on the coding strand, the complement: FBXO11 is on the minus strand). VCF-style: chr2-47839773-T-C. GRCh37 (hg19) VCF-style: chr2-48066912-T-C.
Other names: c.-20-4A>G (NM_001374325.1, NM_025133.4).
Identifiers: ClinVar variation 1321264 (VCV001321264.5), dbSNP rs771961928, ClinGen allele CA1650212.
Genomic context (GRCh38, chr2:47,839,773, plus strand): 5'-TATTTTGTGCACCAGGACCTGATTCTTCTGCAACCATATCTGCAGGCACATCATCATCTG[T>C]TATAAACAAAAGCAATAAGAAAAATTATACCCTTTTTAAAAAAAGTTCTATGGATACAGA-3'

ClinVar aggregate classification (germline): Uncertain significance. Review status: criteria provided, multiple submitters, no conflicts (2 of 4 stars). 2 submissions from 2 submitters: Uncertain significance (2). Last evaluated 2024-01-07.

Conditions:
Intellectual developmental disorder with dysmorphic facies and behavioral abnormalities. Identifiers: MedGen C4748135, MONDO:0060760, OMIM 618089.

Allele frequency attached by ClinVar (database versions not stated): gnomAD exomes below 0.00001 and 0.00001; ExAC 0.00001; gnomAD 0.00001; TOPMed 0.00001.
gnomAD v4.1: 5 of 1,602,280 alleles (0.00031%); highest among the groups gnomAD compares: East Asian, 0.0089%; no homozygotes.

Submissions (3):

Labcorp Genetics (formerly Invitae), Labcorp
Classification: Uncertain significance. Last evaluated: 2024-01-07. Review status: criteria provided, single submitter. Criteria: Invitae Variant Classification Sherloc (09022015). Collection method: clinical testing. Allele origin: germline.
Comment: This sequence change falls in intron 1 of the FBXO11 gene. It does not directly change the encoded amino acid sequence of the FBXO11 protein. This variant is present in population databases (rs771961928, gnomAD 0.01%). This variant has not been reported in the literature in individuals affected with FBXO11-related conditions. ClinVar contains an entry for this variant (Variation ID: 1321264). Algorithms developed to predict the effect of sequence changes on RNA splicing suggest that this variant may disrupt the consensus splice site. In summary, the available evidence is currently insufficient to determine the role of this variant in disease. Therefore, it has been classified as a Variant of Uncertain Significance.

3billion
Classification: Uncertain significance for Intellectual developmental disorder with dysmorphic facies and behavioral abnormalities. Last evaluated: 2021-10-25. Review status: criteria provided, single submitter. Criteria: ACMG Guidelines, 2015. Collection method: clinical testing. Allele origin: unknown. Affected: yes. Observed: 1 heterozygote.
Comment: The variant is observed at an extremely low frequency in the gnomAD v2.1.1 dataset (total allele frequency: 0.000004). In silico tools predict the variant to alter splicing and produce an abnormal transcript (SpliceAI:1.0, PP3). Therefore, this variant is classified as uncertain significance according to the recommendation of ACMG/AMP guideline

Dr. Peter K. Rogan Lab, Western University
No classification provided (evidence only). Condition: Hepatocellular carcinoma. Review status: no classification provided. Collection method: in vitro. Allele origin: not applicable. Functional consequence: cryptic splice site. Not counted in ClinVar's aggregate classification.